The following is an entry in ClinVar:

ClinVar aggregate classification (germline): Uncertain significance. Review status: criteria provided, multiple submitters, no conflicts (2 of 4 stars). 3 submissions from 3 submitters: Uncertain significance (3). Last evaluated 2024-07-25.

Conditions:
Hereditary cancer-predisposing syndrome. Also called: Neoplastic Syndromes, Hereditary; Hereditary Cancer Syndrome; Tumor predisposition; Hereditary neoplastic syndrome. Identifiers: Orphanet 140162, MedGen C0027672, MeSH D009386, MONDO:0015356.

Allele frequency attached by ClinVar (database versions not stated): gnomAD exomes below 0.00001.
gnomAD v4.1: 1 of 1,613,570 alleles (0.000062%); highest among the groups gnomAD compares: Non-Finnish European, 0.000085%; no homozygotes.

Submissions (3):

Labcorp Genetics (formerly Invitae), Labcorp
Classification: Uncertain significance. Last evaluated: 2024-07-25. Review status: criteria provided, single submitter. Criteria: Invitae Variant Classification Sherloc (09022015). Collection method: clinical testing. Allele origin: germline.
Comment: This sequence change replaces alanine, which is neutral and non-polar, with threonine, which is neutral and polar, at codon 327 of the SMARCB1 protein (p.Ala327Thr). This variant is not present in population databases (gnomAD no frequency). This variant has not been reported in the literature in individuals affected with SMARCB1-related conditions. ClinVar contains an entry for this variant (Variation ID: 660223). Advanced modeling of protein sequence and biophysical properties (such as structural, functional, and spatial information, amino acid conservation, physicochemical variation, residue mobility, and thermodynamic stability) has been performed at Invitae for this missense variant, however the output from this modeling did not meet the statistical confidence thresholds required to predict the impact of this variant on SMARCB1 protein function. In summary, the available evidence is currently insufficient to determine the role of this variant in disease. Therefore, it has been classified as a Variant of Uncertain Significance.

Ambry Genetics
Classification: Uncertain significance for Hereditary cancer-predisposing syndrome. Last evaluated: 2023-10-13. Review status: criteria provided, single submitter. Criteria: Ambry Variant Classification Scheme 2023. Collection method: clinical testing. Allele origin: germline.
Comment: The p.A327T variant (also known as c.979G>A), located in coding exon 7 of the SMARCB1 gene, results from a G to A substitution at nucleotide position 979. The alanine at codon 327 is replaced by threonine, an amino acid with similar properties. This amino acid position is highly conserved in available vertebrate species. In addition, the in silico prediction for this alteration is inconclusive. Missense and in-frame variants in SMARCB1 are known to cause neurodevelopmental disorders; however, such associations with rhabdoid tumor predisposition syndrome are exceedingly rare (Kosho T et al. Am J Med Genet C Semin Med Genet. 2014 Sep;166C(3):262-75; Eaton KW et al. Pediatr Blood Cancer. 2011 Jan;56(1):7-15). Based on the supporting evidence, the association of this alteration with Coffin-Siris syndrome is unknown; however, the association of this alteration with rhabdoid tumor predisposition syndrome is unlikely.

Blueprint Genetics
Classification: Uncertain significance. Last evaluated: 2022-09-23. Review status: criteria provided, single submitter. Criteria: ACMG Guidelines, 2015. Collection method: clinical testing. Allele origin: germline.

NM_003073.5(SMARCB1):c.979G>A (p.Ala327Thr)

Gene: SMARCB1 (SWI/SNF related BAF chromatin remodeling complex subunit B1; plus strand). Cytogenetic location: 22q11.23.
Variant type: single nucleotide variant.
Coding change: c.979G>A on transcript NM_003073.5 (MANE Select); coding-DNA position 979, G replaced by A.
Protein change: p.Ala327Thr; replaces alanine 327 with threonine.
Molecular consequence: missense variant.
Genome position (GRCh38, 1-based): chr22:23,825,408, G>A. VCF-style: chr22-23825408-G-A. GRCh37 (hg19) VCF-style: chr22-24167595-G-A.
Other names: c.979G>A (LRG_520t1); c.952G>A, p.Ala318Thr (NM_001007468.3); c.1006G>A, p.Ala336Thr (NM_001317946.2); c.1033G>A, p.Ala345Thr (NM_001362877.2); short protein forms A318T, A327T, A345T, A336T.
Identifiers: ClinVar variation 660223 (VCV000660223.12), dbSNP rs1601433577, ClinGen allele CA410908247.